The following is an entry in ClinVar:

NM_001386393.1(PANK2):c.-32C>T

Genes: PANK2 (pantothenate kinase 2; plus strand), LOC130065345 (ATAC-STARR-seq lymphoblastoid silent region 12635; plus strand). Cytogenetic location: 20p13.
Variant type: single nucleotide variant.
Coding change: c.-32C>T on transcript NM_001386393.1 (MANE Select); 32 bases upstream of the start codon, C replaced by T.
Molecular consequence: 5 prime UTR variant. On other transcripts: missense variant (2), non-coding transcript variant (1), intron variant (1).
Genome position (GRCh38, 1-based): chr20:3,889,399, C>T. VCF-style: chr20-3889399-C-T. GRCh37 (hg19) VCF-style: chr20-3870046-C-T.
Other names: c.-743C>T (NM_001324191.2); c.299C>T, p.Thr100Ile (NM_001324192.1, NM_153638.4); c.-246+495C>T (NM_024960.6); short protein forms T100I.
Identifiers: ClinVar variation 1419158 (VCV001419158.7), dbSNP rs1441505244, ClinGen allele CA408140452.
Genomic context (GRCh38, chr20:3,889,399, plus strand): 5'-CTGCGCGTTGGCGCAACGGAAGAGGCGGCCGGCCGAGGGCGCGCCTCTGCTCTGGCTGGA[C>T]TGCCGCGGAGGAGGCGAGAAGGAATCCGACGCTGGGGGGCTTGCTCGGGCGGCAGCGACT-3'

ClinVar aggregate classification (germline): Uncertain significance (1 of 4 stars; one submission).

Conditions:
Pigmentary pallidal degeneration (NBIA1). Also called: Neuroaxonal dystrophy, late infantile; Hallervorden-Spatz disease; PKAN NEUROAXONAL DYSTROPHY, JUVENILE-ONSET; Pantothenate Kinase-Associated Neurodegeneration; Neurodegeneration with brain iron accumulation 1; HARP SYNDROME. Identifiers: Orphanet 157850, MedGen C0018523, MONDO:0009319, OMIM 234200.

Allele frequency attached by ClinVar (database versions not stated): gnomAD exomes below 0.00001 and 0.00001; TOPMed below 0.00001.
gnomAD v4.1: 2 of 1,573,382 alleles (0.00013%); highest among the groups gnomAD compares: East Asian, 0.0023%; no homozygotes.

Submission:

Labcorp Genetics (formerly Invitae), Labcorp
Classification: Uncertain significance for Pigmentary pallidal degeneration. Last evaluated: 2021-01-14. Review status: criteria provided, single submitter. Criteria: Invitae Variant Classification Sherloc (09022015). Collection method: clinical testing. Allele origin: germline.
Comment: This sequence change replaces threonine with isoleucine at codon 100 of the PANK2 protein (p.Thr100Ile). The threonine residue is weakly conserved and there is a moderate physicochemical difference between threonine and isoleucine. The frequency data for this variant in the population databases is considered unreliable, as metrics indicate insufficient coverage at this position in the ExAC database. This variant has not been reported in the literature in individuals with PANK2-related conditions. Algorithms developed to predict the effect of missense changes on protein structure and function output the following: SIFT: "Tolerated"; PolyPhen-2: "Benign"; Align-GVGD: "Class C0". The isoleucine amino acid residue is found in multiple mammalian species, suggesting that this missense change does not adversely affect protein function. These predictions have not been confirmed by published functional studies and their clinical significance is uncertain. In summary, the available evidence is currently insufficient to determine the role of this variant in disease. Therefore, it has been classified as a Variant of Uncertain Significance.